The following is an entry in ClinVar:

NM_000719.7(CACNA1C):c.2248G>A (p.Ala750Thr)

Gene: CACNA1C (calcium voltage-gated channel subunit alpha1 C; plus strand). Cytogenetic location: 12p13.33.
Variant type: single nucleotide variant.
Coding change: c.2248G>A on transcript NM_000719.7 (MANE Select); coding-DNA position 2248, G replaced by A.
Protein change: p.Ala750Thr; replaces alanine 750 with threonine.
Molecular consequence: missense variant.
Genome position (GRCh38, 1-based): chr12:2,584,526, G>A. VCF-style: chr12-2584526-G-A. GRCh37 (hg19) VCF-style: chr12-2693692-G-A.
Other names: c.2248G>A, p.Ala750Thr (NM_001129827.2, NM_001129829.2, NM_001129830.3 and 18 more transcripts); c.2239G>A, p.Ala747Thr (NM_001129844.2); short protein forms A747T, A750T.
Identifiers: ClinVar variation 2853505 (VCV002853505.3), dbSNP rs2515279342, ClinGen allele CA383371384.
Genomic context (GRCh38, chr12:2,584,526, plus strand): 5'-ACCAAGGGTCATTTTCTTTAAGAATGGACACAAACAGATATCCTACTGAATGTGTTCTTG[G>A]CCATTGCTGTGGACAACCTGGCTGATGCTGAGAGCCTCACATCTGCCCAAAAGGAGGAGG-3'
Protein context (NP_000710.5, residues 740-760): GNYILLNVFL[Ala750Thr]IAVDNLADAE

ClinVar aggregate classification (germline): Uncertain significance (1 of 4 stars; one submission).

Conditions:
Long QT syndrome (LQTS). Identifiers: MedGen C0023976, MeSH D008133, MONDO:0002442. Disease mechanism: loss of function. Inheritance: Various modes of inheritance.

Allele frequency attached by ClinVar (database versions not stated): gnomAD exomes below 0.00001.
gnomAD v4.1: 1 of 1,613,432 alleles (0.000062%); highest among the groups gnomAD compares: Non-Finnish European, 0.000085%; no homozygotes.

Submission:

Labcorp Genetics (formerly Invitae), Labcorp
Classification: Uncertain significance for Long QT syndrome. Last evaluated: 2023-04-07. Review status: criteria provided, single submitter. Criteria: Invitae Variant Classification Sherloc (09022015). Collection method: clinical testing. Allele origin: germline.
Comment: This sequence change replaces alanine, which is neutral and non-polar, with threonine, which is neutral and polar, at codon 750 of the CACNA1C protein (p.Ala750Thr). This variant is not present in population databases (gnomAD no frequency). In summary, the available evidence is currently insufficient to determine the role of this variant in disease. Therefore, it has been classified as a Variant of Uncertain Significance. Advanced modeling of protein sequence and biophysical properties (such as structural, functional, and spatial information, amino acid conservation, physicochemical variation, residue mobility, and thermodynamic stability) performed at Invitae indicates that this missense variant is expected to disrupt CACNA1C protein function. This variant has not been reported in the literature in individuals affected with CACNA1C-related conditions.